The following is an entry in ClinVar:

NM_001367624.2(ZNF469):c.11344G>A (p.Ala3782Thr)

Gene: ZNF469 (zinc finger protein 469; plus strand). Cytogenetic location: 16q24.2.
Variant type: single nucleotide variant.
Coding change: c.11344G>A on transcript NM_001367624.2 (MANE Select); coding-DNA position 11344, G replaced by A.
Protein change: p.Ala3782Thr; replaces alanine 3782 with threonine.
Molecular consequence: missense variant.
Genome position (GRCh38, 1-based): chr16:88,438,814, G>A. VCF-style: chr16-88438814-G-A. GRCh37 (hg19) VCF-style: chr16-88505222-G-A.
Other names: NM_001127464.1:c.11260G>A; short protein forms A3782T.
Identifiers: ClinVar variation 432451 (VCV000432451.7), dbSNP rs1327878609, ClinGen allele CA397129803.
Genomic context (GRCh38, chr16:88,438,814, plus strand): 5'-GCCACCACCCCAGCCAAGCCCAGCTTCCCCAGCCGGAGCCCTGCACCAGAGAGGCTCCCC[G>A]CTCGAGCCCAAGCCAAGAGCTGCACCAAGGGGCCAAGGGAAGCTGGTGAGCAGGGGCCCC-3'
Protein context (NP_001354553.1, residues 3772-3792): SRSPAPERLP[Ala3782Thr]RAQAKSCTKG

ClinVar aggregate classification (germline): Uncertain significance. Review status: criteria provided, multiple submitters, no conflicts (2 of 4 stars). 3 submissions from 3 submitters: Uncertain significance (3). Last evaluated 2023-08-10.

Conditions:
Cardiovascular phenotype. Identifiers: MedGen CN230736.

Allele frequency attached by ClinVar (database versions not stated): gnomAD 0.00001; gnomAD exomes 0.00001; TOPMed 0.00001.
gnomAD v4.1: 16 of 1,550,164 alleles (0.001%); highest among the groups gnomAD compares: South Asian, 0.0036%; no homozygotes.

Submissions (3):

Ambry Genetics
Classification: Uncertain significance for Cardiovascular phenotype. Last evaluated: 2023-08-10. Review status: criteria provided, single submitter. Criteria: Ambry Variant Classification Scheme 2023. Collection method: clinical testing. Allele origin: germline.

Labcorp Genetics (formerly Invitae), Labcorp
Classification: Uncertain significance. Last evaluated: 2021-09-24. Review status: criteria provided, single submitter. Criteria: Invitae Variant Classification Sherloc (09022015). Collection method: clinical testing. Allele origin: germline.
Comment: This sequence change replaces alanine with threonine at codon 3754 of the ZNF469 protein (p.Ala3754Thr). The alanine residue is weakly conserved and there is a small physicochemical difference between alanine and threonine. This variant is not present in population databases (ExAC no frequency). This variant has not been reported in the literature in individuals with ZNF469-related conditions. Algorithms developed to predict the effect of missense changes on protein structure and function output the following: SIFT: "Tolerated"; PolyPhen-2: "Benign"; Align-GVGD: "Class C0". The threonine amino acid residue is found in multiple mammalian species, suggesting that this missense change does not adversely affect protein function. These predictions have not been confirmed by published functional studies and their clinical significance is uncertain. In summary, the available evidence is currently insufficient to determine the role of this variant in disease. Therefore, it has been classified as a Variant of Uncertain Significance.

GeneDx
Classification: Uncertain significance. Last evaluated: 2017-05-26. Review status: criteria provided, single submitter. Criteria: GeneDx Variant Classification (06012015). Collection method: clinical testing. Allele origin: germline. Affected: yes.
Comment: A variant of uncertain significance has been identified in the ZNF469 gene. The A3754T variant has not been published as pathogenic or been reported as benign to our knowledge. This variant is not observed in large population cohorts (Lek et al., 2016; 1000 Genomes Consortium et al., 2015; Exome Variant Server). The A3754T variant is a non-conservative amino acid substitution, which is likely to impact secondary protein structure as these residues differ in polarity, charge, size and/or other properties. However, this substitution occurs at a position that is not conserved across species and where threonine is present as the wild type in several species. Finally, in silico analysis predicts this variant likely does not alter the protein structure/function.